The following is an entry in ClinVar:

NM_000632.4(ITGAM):c.835G>A (p.Gly279Arg)

Genes: ITGAM (integrin subunit alpha M; plus strand), LOC126862332 (BRD4-independent group 4 enhancer GRCh37_chr16:31284654-31285853; plus strand). Cytogenetic location: 16p11.2.
Variant type: single nucleotide variant.
Coding change: c.835G>A on transcript NM_000632.4 (MANE Select); coding-DNA position 835, G replaced by A.
Protein change: p.Gly279Arg; replaces glycine 279 with arginine.
Molecular consequence: missense variant.
Genome position (GRCh38, 1-based): chr16:31,273,495, G>A. VCF-style: chr16-31273495-G-A. GRCh37 (hg19) VCF-style: chr16-31284816-G-A.
Other names: c.835G>A, p.Gly279Arg (NM_001145808.2); short protein forms G279R.
Identifiers: ClinVar variation 2870853 (VCV002870853.3), dbSNP rs2544388363, ClinGen allele CA395695224.

ClinVar aggregate classification (germline): Uncertain significance (1 of 4 stars; one submission).

Allele frequency attached by ClinVar (database versions not stated): gnomAD exomes below 0.00001.
gnomAD v4.1: 1 of 1,613,686 alleles (0.000062%); highest among the groups gnomAD compares: Non-Finnish European, 0.000085%; no homozygotes.

Submission:

Labcorp Genetics (formerly Invitae), Labcorp
Classification: Uncertain significance. Last evaluated: 2023-03-20. Review status: criteria provided, single submitter. Criteria: Invitae Variant Classification Sherloc (09022015). Collection method: clinical testing. Allele origin: germline.
Comment: This sequence change replaces glycine, which is neutral and non-polar, with arginine, which is basic and polar, at codon 279 of the ITGAM protein (p.Gly279Arg). This variant is not present in population databases (gnomAD no frequency). This variant has not been reported in the literature in individuals affected with ITGAM-related conditions. Algorithms developed to predict the effect of missense changes on protein structure and function output the following: SIFT: "Not Available"; PolyPhen-2: "Benign"; Align-GVGD: "Not Available". The arginine amino acid residue is found in multiple mammalian species, which suggests that this missense change does not adversely affect protein function. In summary, the available evidence is currently insufficient to determine the role of this variant in disease. Therefore, it has been classified as a Variant of Uncertain Significance.